The following is an entry in ClinVar:

ClinVar aggregate classification (germline): Benign/Likely benign. Review status: criteria provided, multiple submitters, no conflicts (2 of 4 stars). 9 submissions from 9 submitters: Benign (5); Likely benign (3). 1 of the submissions does not count toward it. Last evaluated 2026-01-29.

Conditions:
Kidney disorder. Also called: renal disease; Nephropathy; Kidney disease; Kidney Diseases; renal disorder. Identifiers: MedGen C0022658, MONDO:0005240, HP:0000112.
Alport syndrome. Also called: Hemorrhagic familial nephritis; Hemorrhagic hereditary nephritis; Congenital hereditary hematuria. Identifiers: Orphanet 63, MedGen C1567741, MONDO:0018965.

Allele frequency attached by ClinVar (database versions not stated): gnomAD exomes 0.00090; ExAC 0.00112; gnomAD 0.00341 and 0.00364; 1000 Genomes Project 0.00359; TOPMed 0.00366; 1000 Genomes Project 30x 0.00375; ESP Exome Variant Server 0.00389.
gnomAD v4.1: 1,013 of 1,614,142 alleles (0.063%); highest among the groups gnomAD compares: African/African-American, 1.2%; 6 homozygotes.

Submissions (9):

Labcorp Genetics (formerly Invitae), Labcorp
Classification: Benign. Last evaluated: 2026-01-29. Review status: criteria provided, single submitter. Criteria: Invitae Variant Classification Sherloc (09022015). Collection method: clinical testing. Allele origin: germline.

CeGaT Center for Human Genetics Tuebingen
Classification: Likely benign. Last evaluated: 2025-08-01. Review status: criteria provided, single submitter. Criteria: CeGaT Center For Human Genetics Tuebingen Variant Classification Criteria Version 2. Collection method: clinical testing. Allele origin: germline. Affected: yes. Observed: 1 variant allele.
Comment: COL4A3: BP4, BP7, BS1

Blueprint Genetics
Classification: Likely benign. Last evaluated: 2024-07-30. Review status: criteria provided, single submitter. Criteria: ACMG Guidelines, 2015. Collection method: clinical testing. Allele origin: germline.

Genome Diagnostics Laboratory, The Hospital for Sick Children
Classification: Likely benign for Kidney disorder. Last evaluated: 2020-07-01. Review status: criteria provided, single submitter. Criteria: ACMG Guidelines, 2015. Collection method: clinical testing. Allele origin: germline.

GeneDx
Classification: Benign. Last evaluated: 2019-09-13. Review status: criteria provided, single submitter. Criteria: GeneDx Variant Classification Process June 2021. Collection method: clinical testing. Allele origin: germline. Affected: yes.

Athena Diagnostics
Classification: Benign. Last evaluated: 2016-10-18. Review status: criteria provided, single submitter. Criteria: Athena Diagnostics Criteria. Collection method: clinical testing. Allele origin: germline.

Laboratory for Molecular Medicine, Mass General Brigham Personalized Medicine
Classification: Benign. Last evaluated: 2016-03-21. Review status: criteria provided, single submitter. Criteria: LMM Criteria. Collection method: clinical testing. Allele origin: germline. Observed: 1 variant allele.
Comment: p.Pro1569Pro in exon 50 of COL4A3: This variant is not expected to have clinical significance because it does not alter an amino acid residue, is not located wi thin the splice consensus sequence, and has been identified in 1.35% (132/9776) of African chromosomes by the Exome Aggregation Consortium (ExAC; dbSNP rs113401495).

PreventionGenetics, part of Exact Sciences
Classification: Benign. Review status: criteria provided, single submitter. Criteria: ACMG Guidelines, 2015. Collection method: clinical testing. Allele origin: germline.

Natera, Inc.
Classification: Likely benign for Alport syndrome. Last evaluated: 2019-12-09. Review status: no assertion criteria provided. Collection method: clinical testing. Allele origin: germline. Not counted in ClinVar's aggregate classification.

NM_000091.5(COL4A3):c.4707A>T (p.Pro1569=)

Genes: COL4A3 (collagen type IV alpha 3 chain; plus strand), MFF-DT (MFF divergent transcript; minus strand). Cytogenetic location: 2q36.3.
Variant type: single nucleotide variant.
Coding change: c.4707A>T on transcript NM_000091.5 (MANE Select); coding-DNA position 4707, A replaced by T.
Protein change: p.Pro1569=; no amino-acid change (proline 1569 retained).
Molecular consequence: synonymous variant.
Genome position (GRCh38, 1-based): chr2:227,309,270, A>T. VCF-style: chr2-227309270-A-T. GRCh37 (hg19) VCF-style: chr2-228173986-A-T.
Identifiers: ClinVar variation 255000 (VCV000255000.31), dbSNP rs113401495, ClinGen allele CA2147614.
Genomic context (GRCh38, chr2:227,309,270, plus strand): 5'-TGTTTGTGAAGGTCCTGCGATCGCCATAGCCGTTCACAGCCAAACCACTGACATTCCTCC[A>T]TGTCCTCACGGCTGGATTTCTCTCTGGAAAGGATTTTCATTCATCATGGTGAGGAGAAAA-3'
Protein context (NP_000082.2, residues 1559-1579): AVHSQTTDIP[Pro1569=]CPHGWISLWK